The following is an entry in ClinVar:

NM_001363118.2(SLC52A2):c.555C>T (p.Leu185=)

Gene: SLC52A2 (solute carrier family 52 member 2; plus strand). Cytogenetic location: 8q24.3.
Variant type: single nucleotide variant.
Coding change: c.555C>T on transcript NM_001363118.2 (MANE Select); coding-DNA position 555, C replaced by T.
Protein change: p.Leu185=; no amino-acid change (leucine 185 retained).
Molecular consequence: synonymous variant. On other transcripts: non-coding transcript variant (1), intron variant (1).
Genome position (GRCh38, 1-based): chr8:144,360,047, C>T. VCF-style: chr8-144360047-C-T. GRCh37 (hg19) VCF-style: chr8-145583707-C-T.
Other names: c.555C>T, p.Leu185= (NM_001253815.2, NM_001253816.2, NM_001363120.2 and 2 more transcripts); c.131-68C>T (NM_001363122.2).
Identifiers: ClinVar variation 257672 (VCV000257672.19), dbSNP rs74370046, ClinGen allele CA4938222.

ClinVar aggregate classification (germline): Benign. Review status: criteria provided, multiple submitters, no conflicts (2 of 4 stars). 6 submissions from 6 submitters: Benign (5). 1 of the submissions does not count toward it. Last evaluated 2026-02-03.

Conditions:
Brown-Vialetto-van Laere syndrome 2. Also called: SPINOCEREBELLAR ATAXIA WITH BLINDNESS AND DEAFNESS 2; Riboflavin transporter deficiency type 2. Identifiers: Orphanet 572543, Orphanet 97229, MedGen C3553538, MONDO:0013867, OMIM 614707.

Allele frequency attached by ClinVar (database versions not stated): ESP Exome Variant Server 0.00062; gnomAD exomes 0.00297 and 0.00853; gnomAD 0.00303 and 0.00374; TOPMed 0.00535; ExAC 0.00784; 1000 Genomes Project 30x 0.01359; 1000 Genomes Project 0.01518.

Submissions (6):

Labcorp Genetics (formerly Invitae), Labcorp
Classification: Benign for Brown-Vialetto-van Laere syndrome 2. Last evaluated: 2026-02-03. Review status: criteria provided, single submitter. Criteria: Invitae Variant Classification Sherloc (09022015). Collection method: clinical testing. Allele origin: germline.

Laboratory for Molecular Medicine, Mass General Brigham Personalized Medicine
Classification: Benign. Last evaluated: 2017-08-23. Review status: criteria provided, single submitter. Criteria: LMM Criteria. Collection method: clinical testing. Allele origin: germline. Observed: 4 variant alleles.
Comment: p.Leu185Leu in exon 3 of SLC52A2: This variant is not expected to have clinical significance because it does not alter an amino acid residue, is not located wit hin the splice consensus sequence, and has been identified in 7.45% (640/8590) o f East Asian chromosomes by the Exome Aggregation Consortium (ExAC.; dbSNP rs74370046).

GeneDx
Classification: Benign. Last evaluated: 2016-07-27. Review status: criteria provided, single submitter. Criteria: GeneDx Variant Classification (06012015). Collection method: clinical testing. Allele origin: germline. Affected: yes.
Comment: This variant is considered likely benign or benign based on one or more of the following criteria: it is a conservative change, it occurs at a poorly conserved position in the protein, it is predicted to be benign by multiple in silico algorithms, and/or has population frequency not consistent with disease.

Breakthrough Genomics
Classification: Benign. Review status: criteria provided, single submitter. Criteria: ACMG Guidelines, 2015. Collection method: not provided. Allele origin: germline. Inheritance: Autosomal recessive inheritance. Affected: yes.

PreventionGenetics, part of Exact Sciences
Classification: Benign. Review status: criteria provided, single submitter. Criteria: ACMG Guidelines, 2015. Collection method: clinical testing. Allele origin: germline.

Mayo Clinic Laboratories, Mayo Clinic
Classification: Benign. Last evaluated: 2017-12-28. Review status: no assertion criteria provided. Collection method: clinical testing. Allele origin: unknown. Not counted in ClinVar's aggregate classification.